The following is an entry in ClinVar:

ClinVar aggregate classification (germline): Benign/Likely benign. Review status: criteria provided, multiple submitters, no conflicts (2 of 4 stars). 2 submissions from 2 submitters: Benign (1); Likely benign (1). Last evaluated 2025-11-17.

Conditions:
Ataxia-telangiectasia syndrome (AT). Also called: LOUIS-BAR SYNDROME; Cerebello-oculocutaneous telangiectasia; Immunodeficiency with ataxia telangiectasia; AT, COMPLEMENTATION GROUP C; Ataxia-telangiectasia, complementation group D; ATAXIA-TELANGIECTASIA, COMPLEMENTATION GROUP A. Identifiers: Orphanet 100, MedGen C0004135, MONDO:0008840, OMIM 208900.
Familial cancer of breast. Also called: BREAST CANCER, FAMILIAL; hereditary breast carcinoma; Hereditary breast cancer. Identifiers: Orphanet 227535, MedGen C0346153, MONDO:0016419, OMIM 114480. Disease mechanism: loss of function.

Allele frequency attached by ClinVar (database versions not stated): TOPMed below 0.00001.

Submissions (2):

Labcorp Genetics (formerly Invitae), Labcorp
Classification: Likely benign for Ataxia-telangiectasia syndrome. Last evaluated: 2025-11-17. Review status: criteria provided, single submitter. Criteria: Invitae Variant Classification Sherloc (09022015). Collection method: clinical testing. Allele origin: germline.

Myriad Genetics, Inc.
Classification: Benign for Familial cancer of breast. Last evaluated: 2024-05-23. Review status: criteria provided, single submitter. Criteria: Myriad Autosomal Dominant, Autosomal Recessive and X-Linked Classification Criteria (2023). Collection method: clinical testing. Allele origin: unknown.
Comment: This variant is considered benign. This variant is a silent/synonymous amino acid change and it is not expected to impact splicing.

NM_000051.4(ATM):c.5577A>G (p.Arg1859=)

Gene: ATM (ATM serine/threonine kinase; plus strand). Cytogenetic location: 11q22.3.
Variant type: single nucleotide variant.
Coding change: c.5577A>G on transcript NM_000051.4 (MANE Select); coding-DNA position 5577, A replaced by G.
Protein change: p.Arg1859=; no amino-acid change (arginine 1859 retained).
Molecular consequence: synonymous variant.
Genome position (GRCh38, 1-based): chr11:108,304,755, A>G. VCF-style: chr11-108304755-A-G. GRCh37 (hg19) VCF-style: chr11-108175482-A-G.
Other names: c.5577A>G, p.Arg1859= (NM_001351834.2).
Identifiers: ClinVar variation 3253804 (VCV003253804.3), dbSNP rs1399558571.
Genomic context (GRCh38, chr11:108,304,755, plus strand): 5'-GACTGTACTTCCATACTTGATTCATGATATTTTACTCCAAGATACAAATGAATCATGGAG[A>G]AATCTGCTTTCTACACATGTTCAGGGATTTTTCACCAGCTGTCTTCGACACTTCTCGCAA-3'
Protein context (NP_000042.3, residues 1849-1869): ILLQDTNESW[Arg1859=]NLLSTHVQGF